The following is an entry in ClinVar:

ClinVar aggregate classification (germline): Uncertain significance. Review status: criteria provided, multiple submitters, no conflicts (2 of 4 stars). 2 submissions from 2 submitters: Uncertain significance (2). Last evaluated 2024-04-30.

Conditions:
Hereditary cancer-predisposing syndrome. Also called: Neoplastic Syndromes, Hereditary; Tumor predisposition; Hereditary Cancer Syndrome; Hereditary neoplastic syndrome. Identifiers: Orphanet 140162, MedGen C0027672, MeSH D009386, MONDO:0015356.

Allele frequency attached by ClinVar (database versions not stated): gnomAD exomes below 0.00001; TOPMed below 0.00001.
gnomAD v4.1: 2 of 1,598,232 alleles (0.00013%); highest among the groups gnomAD compares: Non-Finnish European, 0.00017%; no homozygotes.

Submissions (2):

Labcorp Genetics (formerly Invitae), Labcorp
Classification: Uncertain significance for Hereditary cancer-predisposing syndrome. Last evaluated: 2024-04-30. Review status: criteria provided, single submitter. Criteria: Invitae Variant Classification Sherloc (09022015). Collection method: clinical testing. Allele origin: germline.
Comment: This sequence change falls in intron 3 of the RAD50 gene. It does not directly change the encoded amino acid sequence of the RAD50 protein. It affects a nucleotide within the consensus splice site. This variant is present in population databases (no rsID available, gnomAD 0.0009%). This variant has not been reported in the literature in individuals affected with RAD50-related conditions. ClinVar contains an entry for this variant (Variation ID: 527338). Variants that disrupt the consensus splice site are a relatively common cause of aberrant splicing (PMID: 17576681, 9536098). Algorithms developed to predict the effect of sequence changes on RNA splicing suggest that this variant may disrupt the consensus splice site. In summary, the available evidence is currently insufficient to determine the role of this variant in disease. Therefore, it has been classified as a Variant of Uncertain Significance.

Ambry Genetics
Classification: Uncertain significance for Hereditary cancer-predisposing syndrome. Last evaluated: 2019-05-03. Review status: criteria provided, single submitter. Criteria: Ambry Variant Classification Scheme 2023. Collection method: clinical testing. Allele origin: germline.
Comment: The c.365+5G>C intronic variant results from a G to C substitution 5 nucleotides after coding exon 3 in the RAD50 gene. This nucleotide position is highly conserved in available vertebrate species. Using the BDGP and ESEfinder splice site prediction tools, this alteration is predicted to weaken the efficiency of the native splice donor site; however, direct evidence is unavailable. Since supporting evidence is limited at this time, the clinical significance of this alteration remains unclear.

Literature cited by the submitters: PubMed 17576681 (cited by Labcorp Genetics (formerly Invitae), Labcorp); PubMed 9536098 (cited by Labcorp Genetics (formerly Invitae), Labcorp).

NM_005732.4(RAD50):c.365+5G>C

Gene: RAD50 (RAD50 double strand break repair protein; plus strand). Cytogenetic location: 5q31.1.
Variant type: single nucleotide variant.
Coding change: c.365+5G>C on transcript NM_005732.4 (MANE Select); 5 bases into the intron after coding-DNA position 365, G replaced by C.
Molecular consequence: intron variant.
Genome position (GRCh38, 1-based): chr5:132,575,933, G>C. VCF-style: chr5-132575933-G-C. GRCh37 (hg19) VCF-style: chr5-131911625-G-C.
Identifiers: ClinVar variation 527338 (VCV000527338.14), dbSNP rs1438177297, ClinGen allele CA562769671.